The following is an entry in ClinVar:

NM_004333.6(BRAF):c.-9G>T

Gene: BRAF (B-Raf proto-oncogene, serine/threonine kinase; minus strand). Cytogenetic location: 7q34.
Variant type: single nucleotide variant.
Coding change: c.-9G>T on transcript NM_004333.6 (MANE Select); 9 bases upstream of the start codon, G replaced by T.
Molecular consequence: 5 prime UTR variant.
Genome position (GRCh38, 1-based): chr7:140,924,712, C>A on the plus strand (G>T on the coding strand, the complement: BRAF is on the minus strand). VCF-style: chr7-140924712-C-A. GRCh37 (hg19) VCF-style: chr7-140624512-C-A.
Other names: c.-9G>T (NM_001354609.2, NM_001374244.1, NM_001374258.1 and 7 more transcripts).
Identifiers: ClinVar variation 504240 (VCV000504240.2), dbSNP rs1161647286, ClinGen allele CA578391405.

ClinVar aggregate classification (germline): Uncertain significance (1 of 4 stars; one submission).

Allele frequency attached by ClinVar (database versions not stated): gnomAD exomes below 0.00001 and 0.00001.

Submission:

GeneDx
Classification: Uncertain significance. Last evaluated: 2018-02-13. Review status: criteria provided, single submitter. Criteria: GeneDx Variant Classification (06012015). Collection method: clinical testing. Allele origin: germline. Affected: yes.
Comment: The c.-9 G>T variant of uncertain significance in the BRAF gene has not been published as pathogenic or benign to our knowledge. This variant is not observed in large population cohorts (Lek et al., 2016). The c.-9 G>T variant occurs in the 5'UTR of the BRAF transcript at a position that is conserved across species. However, no other regulatory variants are reported in the Human Gene Mutation Database in association with BRAF-related disorders (Stenson et al., 2014),Therefore, based on the currently available information, it is unclear whether this variant is pathogenic or rare benign. This result cannot be interpreted for diagnosis or used for family member screening at this time.